The following is an entry in ClinVar:

NM_000094.4(COL7A1):c.4733G>A (p.Gly1578Asp)

Gene: COL7A1 (collagen type VII alpha 1 chain; minus strand). Cytogenetic location: 3p21.31.
Variant type: single nucleotide variant.
Coding change: c.4733G>A on transcript NM_000094.4 (MANE Select); coding-DNA position 4733, G replaced by A.
Protein change: p.Gly1578Asp; replaces glycine 1578 with aspartic acid.
Molecular consequence: missense variant.
Genome position (GRCh38, 1-based): chr3:48,581,622, C>T on the plus strand (G>A on the coding strand, the complement: COL7A1 is on the minus strand). VCF-style: chr3-48581622-C-T. GRCh37 (hg19) VCF-style: chr3-48619055-C-T.
Other names: short protein forms G1578D.
Identifiers: ClinVar variation 2150184 (VCV002150184.3), dbSNP rs762167473, ClinGen allele CA2379865.

ClinVar aggregate classification (germline): Uncertain significance (1 of 4 stars; one submission).

Allele frequency attached by ClinVar (database versions not stated): ExAC 0.00001; TOPMed 0.00001.

Submission:

Labcorp Genetics (formerly Invitae), Labcorp
Classification: Uncertain significance. Last evaluated: 2025-08-07. Review status: criteria provided, single submitter. Criteria: Invitae Variant Classification Sherloc (09022015). Collection method: clinical testing. Allele origin: germline.
Comment: This sequence change replaces glycine, which is neutral and non-polar, with aspartic acid, which is acidic and polar, at codon 1578 of the COL7A1 protein (p.Gly1578Asp). This variant is present in population databases (rs762167473, gnomAD 0.002%). This variant has not been reported in the literature in individuals affected with COL7A1-related conditions. ClinVar contains an entry for this variant (Variation ID: 2150184). Invitae Evidence Modeling of protein sequence and biophysical properties (such as structural, functional, and spatial information, amino acid conservation, physicochemical variation, residue mobility, and thermodynamic stability) has been performed for this missense variant. However, the output from this modeling did not meet the statistical confidence thresholds required to predict the impact of this variant on COL7A1 protein function. This variant disrupts the triple helix domain of COL7A1. Glycine residues within the Gly-Xaa-Yaa repeats of the triple helix domain are required for the structure and stability of fibrillar collagens (PMID: 7695699, 8218237, 19344236), and variants at these glycine residues in COL7A1 are more frequently observed in individuals with disease than in the general population (PMID: 22058051). However, the clinical significance of this observation remains uncertain since only a limited number of affected individuals have been described to date. In summary, the available evidence is currently insufficient to determine the role of this variant in disease. Therefore, it has been classified as a Variant of Uncertain Significance.

Literature cited by the submitters: PubMed 7695699; PubMed 8218237; PubMed 19344236; PubMed 22058051.